The following is an entry in ClinVar:

ClinVar aggregate classification (germline): Uncertain significance (1 of 4 stars; one submission).

Conditions:
Developmental and epileptic encephalopathy. Identifiers: MedGen C5779964, MONDO:0100620.

Allele frequency attached by ClinVar (database versions not stated): gnomAD 0.00001; gnomAD exomes 0.00002 and 0.00004; ExAC 0.00003; TOPMed 0.00004; ESP Exome Variant Server 0.00008.
gnomAD v4.1: 36 of 1,575,386 alleles (0.0023%); highest among the groups gnomAD compares: African/African-American, 0.004%; no homozygotes.

Submission:

Labcorp Genetics (formerly Invitae), Labcorp
Classification: Uncertain significance for Early-infantile DEE. Last evaluated: 2022-07-26. Review status: criteria provided, single submitter. Criteria: Invitae Variant Classification Sherloc (09022015). Collection method: clinical testing. Allele origin: germline.
Comment: This sequence change falls in intron 34 of the CACNA2D2 gene. It does not directly change the encoded amino acid sequence of the CACNA2D2 protein. It affects a nucleotide within the consensus splice site. This variant is present in population databases (rs370683787, gnomAD 0.02%). This variant has not been reported in the literature in individuals affected with CACNA2D2-related conditions. ClinVar contains an entry for this variant (Variation ID: 845701). Variants that disrupt the consensus splice site are a relatively common cause of aberrant splicing (PMID: 17576681, 9536098). Algorithms developed to predict the effect of sequence changes on RNA splicing suggest that this variant is not likely to affect RNA splicing. In summary, the available evidence is currently insufficient to determine the role of this variant in disease. Therefore, it has been classified as a Variant of Uncertain Significance.

Literature cited by the submitters: PubMed 17576681; PubMed 9536098.

NM_006030.4(CACNA2D2):c.2971+6T>C

Genes: CACNA2D2 (calcium voltage-gated channel auxiliary subunit alpha2delta 2; minus strand), LOC101928965 (uncharacterized LOC101928965; plus strand), LOC127898564 (CYB561D2-LOC101928965; plus strand). Cytogenetic location: 3p21.31.
Variant type: single nucleotide variant.
Coding change: c.2971+6T>C on transcript NM_006030.4 (MANE Select); 6 bases into the intron after coding-DNA position 2971, T replaced by C.
Molecular consequence: intron variant. On other transcripts: non-coding transcript variant (2).
Genome position (GRCh38, 1-based): chr3:50,365,627, A>G on the plus strand (T>C on the coding strand, the complement: CACNA2D2 is on the minus strand). VCF-style: chr3-50365627-A-G. GRCh37 (hg19) VCF-style: chr3-50403058-A-G.
Other names: c.2764+6T>C (NM_001291101.1); c.2971+6T>C (NM_001005505.3); c.2992+6T>C (NM_001174051.3).
Identifiers: ClinVar variation 845701 (VCV000845701.5), dbSNP rs370683787, ClinGen allele CA2418293.
Genomic context (GRCh38, chr3:50,365,627, plus strand): 5'-CATGGAGTCGTCTTAGCTCAGATTGGGGACCCGGACTTGAGGAGGCGCCTCCAAAGCCCT[A>G]CCTACCTGCTTGGAACCAGCTGTGGTAGATGAGGCCGTAGAGAAGCTGCTGGAACAGGGA-3'